The following is an entry in ClinVar:

NM_022370.4(ROBO3):c.398G>C (p.Arg133Pro)

Gene: ROBO3 (roundabout guidance receptor 3; plus strand). Cytogenetic location: 11q24.2.
Variant type: single nucleotide variant.
Coding change: c.398G>C on transcript NM_022370.4 (MANE Select); coding-DNA position 398, G replaced by C.
Protein change: p.Arg133Pro; replaces arginine 133 with proline.
Molecular consequence: missense variant.
Genome position (GRCh38, 1-based): chr11:124,869,039, G>C. VCF-style: chr11-124869039-G-C. GRCh37 (hg19) VCF-style: chr11-124738935-G-C.
Other names: short protein forms R133P.
Identifiers: ClinVar variation 3361530 (VCV003361530.1).

ClinVar aggregate classification (germline): Uncertain significance (1 of 4 stars; one submission).

Submission:

GeneDx
Classification: Uncertain significance. Last evaluated: 2023-07-28. Review status: criteria provided, single submitter. Criteria: GeneDx Variant Classification Process June 2021. Collection method: clinical testing. Allele origin: germline. Affected: yes.
Comment: Not observed at significant frequency in large population cohorts (gnomAD); In silico analysis supports that this missense variant has a deleterious effect on protein structure/function; Has not been previously published as pathogenic or benign to our knowledge